The following is an entry in ClinVar:

ClinVar aggregate classification (germline): Uncertain significance (1 of 4 stars; one submission).

Conditions:
Amyloidosis, hereditary systemic 1 (AMYLD1). Also called: Familial amyloid polyneuropathy; Transthyretin Amyloidosis; Hereditary oculoleptomeningeal amyloid angiopathy; Familial Transthyretin Amyloidosis; AMYLOID CARDIOMYOPATHY; Hereditary Transthyretin Amyloidosis. Identifiers: Orphanet 85447, Orphanet 85451, MedGen C2751492, MONDO:0971004, OMIM 105210.

Submission:

Labcorp Genetics (formerly Invitae), Labcorp
Classification: Uncertain significance for Amyloidosis, hereditary systemic 1. Last evaluated: 2019-09-13. Review status: criteria provided, single submitter. Criteria: Invitae Variant Classification Sherloc (09022015). Collection method: clinical testing. Allele origin: germline.
Comment: In summary, the available evidence is currently insufficient to determine the role of this variant in disease. Therefore, it has been classified as a Variant of Uncertain Significance. Algorithms developed to predict the effect of missense changes on protein structure and function are either unavailable or do not agree on the potential impact of this missense change (SIFT: "Not Available"; PolyPhen-2: "Probably Damaging"; Align-GVGD: "Not Available"). This variant has not been reported in the literature in individuals with TTR-related conditions. This variant is not present in population databases (ExAC no frequency). This sequence change replaces tyrosine with histidine at codon 125 of the TTR protein (p.Tyr125His). The tyrosine residue is highly conserved and there is a moderate physicochemical difference between tyrosine and histidine.

NM_000371.4(TTR):c.373T>C (p.Tyr125His)

Gene: TTR (transthyretin; plus strand). Cytogenetic location: 18q12.1.
Variant type: single nucleotide variant.
Coding change: c.373T>C on transcript NM_000371.4 (MANE Select); coding-DNA position 373, T replaced by C.
Protein change: p.Tyr125His; replaces tyrosine 125 with histidine.
Molecular consequence: missense variant.
Genome position (GRCh38, 1-based): chr18:31,598,604, T>C. VCF-style: chr18-31598604-T-C. GRCh37 (hg19) VCF-style: chr18-29178567-T-C.
Other names: short protein forms Y125H.
Identifiers: ClinVar variation 955713 (VCV000955713.8), dbSNP rs2073528574, ClinGen allele CA402158182.
Genomic context (GRCh38, chr18:31,598,604, plus strand): 5'-GGATCTGTCTGTCTTCTCTCATAGGTGGTATTCACAGCCAACGACTCCGGCCCCCGCCGC[T>C]ACACCATTGCCGCCCTGCTGAGCCCCTACTCCTATTCCACCACGGCTGTCGTCACCAATC-3'
Protein context (NP_000362.1, residues 115-135): FTANDSGPRR[Tyr125His]TIAALLSPYS